The following is an entry in ClinVar:

NM_000088.4(COL1A1):c.131_132del (p.Gly44fs)

Gene: COL1A1 (collagen type I alpha 1 chain; minus strand). Cytogenetic location: 17q21.33.
Variant type: Deletion.
Coding change: c.131_132del on transcript NM_000088.4 (MANE Select); coding-DNA positions 131 to 132, 2 bases deleted (GC; older notation c.131_132delGC).
Protein change: p.Gly44fs; shifts the reading frame from glycine 44.
Molecular consequence: frameshift variant.
Genome position (GRCh38, 1-based): chr17:50,199,919-50,199,920, GC deleted on the plus strand (GC on the coding strand, the reverse complement: COL1A1 is on the minus strand). VCF-style (leftmost placement, unchanged base first): chr17-50199918-GGC-G. GRCh37 (hg19) VCF-style: chr17-48277279-GGC-G.
Other names: c.131_132delGC (NM_000088.4); short protein forms G44fs.
Identifiers: ClinVar variation 3768766 (VCV003768766.1).

ClinVar aggregate classification (germline): Pathogenic (1 of 4 stars; one submission).

Conditions:
Osteogenesis imperfecta type I (OI1). Also called: OI, TYPE I; OSTEOGENESIS IMPERFECTA TARDA; OSTEOGENESIS IMPERFECTA WITH BLUE SCLERAE; Lobstein disease; Classic Non-deforming Osteogenesis Imperfecta with Blue Sclerae; Osteogenesis imperfecta type 1. Identifiers: Orphanet 216796, Orphanet 666, MedGen C0023931, MONDO:0008146, OMIM 166200. Disease mechanism: loss of function.

Submission:

Women's Health and Genetics/Laboratory Corporation of America, LabCorp
Classification: Pathogenic for Osteogenesis imperfecta type I. Last evaluated: 2025-02-04. Review status: criteria provided, single submitter. Criteria: LabCorp Variant Classification Summary - May 2015. Collection method: clinical testing. Allele origin: germline.
Comment: Variant summary: COL1A1 c.131_132delGC (p.Gly44AlafsX5) results in a premature termination codon, predicted to cause a truncation of the encoded protein or absence of the protein due to nonsense mediated decay, which are commonly known mechanisms for disease. The variant was absent in 251334 control chromosomes. To our knowledge, no occurrence of c.131_132delGC in individuals affected with Osteogenesis imperfecta type I and no experimental evidence demonstrating its impact on protein function have been reported. No submitters have cited clinical-significance assessments for this variant to ClinVar. Based on the evidence outlined above, the variant was classified as pathogenic.